The following is an entry in ClinVar:

NM_003906.5(MCM3AP):c.4395G>T (p.Lys1465Asn)

Genes: MCM3AP (minichromosome maintenance complex component 3 associated protein; minus strand), MCM3AP-AS1 (MCM3AP antisense RNA 1; plus strand). Cytogenetic location: 21q22.3.
Variant type: single nucleotide variant.
Coding change: c.4395G>T on transcript NM_003906.5 (MANE Select); coding-DNA position 4395, G replaced by T.
Protein change: p.Lys1465Asn; replaces lysine 1465 with asparagine.
Molecular consequence: missense variant.
Genome position (GRCh38, 1-based): chr21:46,246,782, C>A on the plus strand (G>T on the coding strand, the complement: MCM3AP is on the minus strand). VCF-style: chr21-46246782-C-A. GRCh37 (hg19) VCF-style: chr21-47666696-C-A.
Other names: short protein forms K1465N.
Identifiers: ClinVar variation 1305111 (VCV001305111.4), dbSNP rs145937147, ClinGen allele CA10076132.
Genomic context (GRCh38, chr21:46,246,782, plus strand): 5'-CTGCTTGAGCTGCAGCAAGGCCGACAGCCAGTACACGTCCTCCTCTGCCATGTCCTCACT[C>A]TTCATTTTGGGGGGAAGCAGCAGCATGAGCCCACTGGCTCCCAGGAGGTCCTTCTGTGTC-3'
Protein context (NP_003897.2, residues 1455-1475): GLMLLLPPKM[Lys1465Asn]SEDMAEEDVY

ClinVar aggregate classification (germline): Uncertain significance. Review status: criteria provided, multiple submitters, no conflicts (2 of 4 stars). 2 submissions from 2 submitters: Uncertain significance (2). Last evaluated 2022-06-22.

Allele frequency attached by ClinVar (database versions not stated): ExAC 0.00001; gnomAD 0.00001; gnomAD exomes 0.00001; TOPMed 0.00001; ESP Exome Variant Server 0.00008.
gnomAD v4.1: 3 of 1,614,112 alleles (0.00019%); highest among the groups gnomAD compares: Non-Finnish European, 0.00025%; no homozygotes.

Submissions (2):

Labcorp Genetics (formerly Invitae), Labcorp
Classification: Uncertain significance. Last evaluated: 2022-06-22. Review status: criteria provided, single submitter. Criteria: Invitae Variant Classification Sherloc (09022015). Collection method: clinical testing. Allele origin: germline.
Comment: In summary, the available evidence is currently insufficient to determine the role of this variant in disease. Therefore, it has been classified as a Variant of Uncertain Significance. Algorithms developed to predict the effect of missense changes on protein structure and function (SIFT, PolyPhen-2, Align-GVGD) all suggest that this variant is likely to be tolerated. ClinVar contains an entry for this variant (Variation ID: 1305111). This variant has not been reported in the literature in individuals affected with MCM3AP-related conditions. This variant is present in population databases (rs145937147, gnomAD 0.002%). This sequence change replaces lysine, which is basic and polar, with asparagine, which is neutral and polar, at codon 1465 of the MCM3AP protein (p.Lys1465Asn).

GeneDx
Classification: Uncertain significance. Last evaluated: 2019-04-16. Review status: criteria provided, single submitter. Criteria: GeneDx Variant Classification Process June 2021. Collection method: clinical testing. Allele origin: germline. Affected: yes.
Comment: Has not been previously published as pathogenic or benign to our knowledge; Not observed at a significant frequency in large population cohorts (Lek et al., 2016); In silico analysis, which includes splice predictors and evolutionary conservation, supports that this variant does not alter protein structure/function